The following is an entry in ClinVar:

ClinVar aggregate classification (germline): Likely pathogenic (1 of 4 stars; one submission).

Conditions:
Primary hyperoxaluria type 3. Also called: PH III. Identifiers: Orphanet 416, Orphanet 93600, MedGen C3150878, MONDO:0013327, OMIM 613616. Disease mechanism: loss of function.

Submission:

Natera, Inc.
Classification: Likely pathogenic for Primary hyperoxaluria type III. Last evaluated: 2025-10-07. Review status: criteria provided, single submitter. Criteria: Natera Variant Classification Schema (03/2026). Collection method: clinical testing. Allele origin: germline.
Comment: The c.976del variant in HOGA1 is a frameshift variant predicted to elongate the protein beyond the termination codon. This variant is expected to result in nonsense mediated decay, truncation, or a dysfunctional protein product. This variant is rare in the general population with a frequency below the threshold expected for the associated phenotype(s). Given the available evidence, this variant is classified as Likely Pathogenic.

NM_138413.4(HOGA1):c.976del (p.Trp326fs)

Gene: HOGA1 (4-hydroxy-2-oxoglutarate aldolase 1; plus strand). Cytogenetic location: 10q24.2.
Variant type: Deletion.
Coding change: c.976del on transcript NM_138413.4 (MANE Select); coding-DNA position 976, one base deleted (T; older notation c.976delT).
Protein change: p.Trp326fs; shifts the reading frame from tryptophan 326.
Molecular consequence: frameshift variant.
Genome position (GRCh38, 1-based): chr10:97,611,651, T deleted. VCF-style (leftmost placement, unchanged base first): chr10-97611650-CT-C. GRCh37 (hg19) VCF-style: chr10-99371407-CT-C.
Other names: c.487del, p.Trp163fs (NM_001134670.2); short protein forms W163fs, W326fs.
Identifiers: ClinVar variation 4816532 (VCV004816532.1).